The following is an entry in ClinVar:

ClinVar aggregate classification (germline): Uncertain significance (1 of 4 stars; one submission).

Conditions:
Cornelia de Lange syndrome 4 (CDLS4). Also called: CORNELIA DE LANGE SYNDROME 4 WITH OR WITHOUT MIDLINE BRAIN DEFECTS; RAD21-Related Cornelia de Lange Syndrome. Identifiers: Orphanet 199, MedGen C3553517, MONDO:0013864, OMIM 614701.

gnomAD v4.1: 1 of 1,613,296 alleles (0.000062%); highest among the groups gnomAD compares: South Asian, 0.0011%; no homozygotes.

Submission:

Labcorp Genetics (formerly Invitae), Labcorp
Classification: Uncertain significance for Cornelia de Lange syndrome 4. Last evaluated: 2023-08-06. Review status: criteria provided, single submitter. Criteria: Invitae Variant Classification Sherloc (09022015). Collection method: clinical testing. Allele origin: germline.
Comment: This sequence change replaces proline, which is neutral and non-polar, with arginine, which is basic and polar, at codon 506 of the RAD21 protein (p.Pro506Arg). This variant is not present in population databases (gnomAD no frequency). This variant has not been reported in the literature in individuals affected with RAD21-related conditions. An algorithm developed to predict the effect of missense changes on protein structure and function (PolyPhen-2) suggests that this variant is likely to be tolerated. In summary, the available evidence is currently insufficient to determine the role of this variant in disease. Therefore, it has been classified as a Variant of Uncertain Significance.

NM_006265.3(RAD21):c.1517C>G (p.Pro506Arg)

Gene: RAD21 (RAD21 cohesin complex component; minus strand). Cytogenetic location: 8q24.11.
Variant type: single nucleotide variant.
Coding change: c.1517C>G on transcript NM_006265.3 (MANE Select); coding-DNA position 1517, C replaced by G.
Protein change: p.Pro506Arg; replaces proline 506 with arginine.
Molecular consequence: missense variant.
Genome position (GRCh38, 1-based): chr8:116,850,721, G>C on the plus strand (C>G on the coding strand, the complement: RAD21 is on the minus strand). VCF-style: chr8-116850721-G-C. GRCh37 (hg19) VCF-style: chr8-117862960-G-C.
Other names: short protein forms P506R.
Identifiers: ClinVar variation 2750703 (VCV002750703.3), dbSNP rs781356173, ClinGen allele CA371996726.
Genomic context (GRCh38, chr8:116,850,721, plus strand): 5'-TCTTTTTCTGGCAGAAGTTCTAACTCTGGTATTAGCTGACAGATATTTGGAGGTTCTTCT[G>C]GGGGAAGCTCTACAGGTGGTATTTCCATCTGCTCTACCTGCTGAGGCTTAAAGCAATACA-3'
Protein context (NP_006256.1, residues 496-516): QMEIPPVELP[Pro506Arg]EEPPNICQLI